The following is an entry in ClinVar:

NM_003097.6(SNRPN):c.267T>C (p.Asp89=)

Genes: SNHG14 (small nucleolar RNA host gene 14; plus strand), SNRPN (small nuclear ribonucleoprotein polypeptide N; plus strand), SNURF (SNRPN upstream open reading frame; plus strand). Cytogenetic location: 15q11.2.
Variant type: single nucleotide variant.
Coding change: c.267T>C on transcript NM_003097.6 (MANE Select); coding-DNA position 267, T replaced by C.
Protein change: p.Asp89=; no amino-acid change (aspartic acid 89 retained).
Molecular consequence: synonymous variant. On other transcripts: 3 prime UTR variant (1), intron variant (1), non-coding transcript variant (1).
Genome position (GRCh38, 1-based): chr15:24,976,416, T>C. VCF-style: chr15-24976416-T-C. GRCh37 (hg19) VCF-style: chr15-25221563-T-C.
Other names: c.267T>C, p.Asp89= (NM_001400652.1, NM_001400683.1, NM_001400684.1 and 99 more transcripts); c.243T>C, p.Asp81= (NM_001400767.1, NM_001378256.1, NM_001378257.1); c.*455T>C (NM_005678.5); c.4-461T>C (NM_001400768.1); c.279T>C, p.Asp93= (NM_001378251.1, NM_001378252.1, NM_001378253.1 and 2 more transcripts).
Identifiers: ClinVar variation 724361 (VCV000724361.6), dbSNP rs200092176, ClinGen allele CA7431320.

ClinVar aggregate classification (germline): Benign/Likely benign. Review status: criteria provided, multiple submitters, no conflicts (2 of 4 stars). 2 submissions from 2 submitters: Benign (1); Likely benign (1). Last evaluated 2026-09-01.

Allele frequency attached by ClinVar (database versions not stated): gnomAD exomes 0.00017 and 0.00040; ExAC 0.00046; gnomAD 0.00135 and 0.00127; 1000 Genomes Project 0.00180; 1000 Genomes Project 30x 0.00187; ESP Exome Variant Server 0.00190; TOPMed 0.00147.
gnomAD v4.1: 442 of 1,596,594 alleles (0.028%); highest among the groups gnomAD compares: African/African-American, 0.48%; 2 homozygotes.

Submissions (2):

CeGaT Center for Human Genetics Tuebingen
Classification: Likely benign. Last evaluated: 2026-09-01. Review status: criteria provided, single submitter. Criteria: CeGaT Center For Human Genetics Tuebingen Variant Classification Criteria Version 2. Collection method: clinical testing. Allele origin: germline. Affected: yes. Observed: 1 variant allele.
Comment: SNRPN: BP4, BP7

Labcorp Genetics (formerly Invitae), Labcorp
Classification: Benign. Last evaluated: 2018-06-08. Review status: criteria provided, single submitter. Criteria: Invitae Variant Classification Sherloc (09022015). Collection method: clinical testing. Allele origin: germline.